The following is an entry in ClinVar:

ClinVar aggregate classification (germline): Likely pathogenic (1 of 4 stars; one submission).

Conditions:
Severe early-childhood-onset retinal dystrophy (STGD1). Also called: Stargardt macular dystrophy; Juvenile onset macular degeneration; Stargardt disease 1; MACULAR DYSTROPHY WITH FLECKS, TYPE 1; STGD. Identifiers: Orphanet 364055, Orphanet 827, MedGen C1855465, MeSH D000080362, MONDO:0009549, OMIM 248200.

Submission:

SingHealth Duke-NUS Institute of Precision Medicine
Classification: Likely pathogenic for Severe early-childhood-onset retinal dystrophy. Last evaluated: 2025-02-05. Review status: criteria provided, single submitter. Criteria: PRISM ACMG Classification Criteria. Collection method: clinical testing. Allele origin: germline. Affected: yes.
Comment: Variant is located in a mutational hotspot where >50% of variants are pathogenic (PM1). Variant is not found in gnomAD exomes or genomes (PM2). Other variants at this amino acid residue have been classified as pathogenic (PM5, p.Ala1075Thr; p.Ala1075Val). REVEL score is 0.965 (PP3_str)

NM_000350.3(ABCA4):c.3224C>A (p.Ala1075Asp)

Gene: ABCA4 (ATP binding cassette subfamily A member 4; minus strand). Cytogenetic location: 1p22.1.
Variant type: single nucleotide variant.
Coding change: c.3224C>A on transcript NM_000350.3 (MANE Select); coding-DNA position 3224, C replaced by A.
Protein change: p.Ala1075Asp; replaces alanine 1075 with aspartic acid.
Molecular consequence: missense variant.
Genome position (GRCh38, 1-based): chr1:94,042,865, G>T on the plus strand (C>A on the coding strand, the complement: ABCA4 is on the minus strand). VCF-style: chr1-94042865-G-T. GRCh37 (hg19) VCF-style: chr1-94508421-G-T.
Other names: c.3002C>A, p.Ala1001Asp (NM_001425324.1); short protein forms A1001D, A1075D.
Identifiers: ClinVar variation 3767360 (VCV003767360.1).